The following is an entry in ClinVar:

ClinVar aggregate classification (germline): Uncertain significance (1 of 4 stars; one submission).

Conditions:
Joubert syndrome. Also called: CEREBELLOPARENCHYMAL DISORDER IV; JOUBERT-BOLTSHAUSER SYNDROME; Familial aplasia of the vermis. Identifiers: Orphanet 475, MedGen C5979921, MONDO:0018772.
Orofaciodigital syndrome I (OFD1). Also called: OFDS I; Papillon-Leage and Psaume Syndrome; Oral-Facial-Digital Syndrome Type I. Identifiers: Orphanet 2750, MedGen C1510460, MONDO:0010702, OMIM 311200.

Submission:

Labcorp Genetics (formerly Invitae), Labcorp
Classification: Uncertain significance for Orofaciodigital syndrome I; Joubert syndrome. Last evaluated: 2022-08-05. Review status: criteria provided, single submitter. Criteria: Invitae Variant Classification Sherloc (09022015). Collection method: clinical testing. Allele origin: germline.
Comment: In summary, the available evidence is currently insufficient to determine the role of this variant in disease. Therefore, it has been classified as a Variant of Uncertain Significance. Algorithms developed to predict the effect of missense changes on protein structure and function (SIFT, PolyPhen-2, Align-GVGD) all suggest that this variant is likely to be disruptive. This variant has not been reported in the literature in individuals affected with OFD1-related conditions. This variant is not present in population databases (gnomAD no frequency). This sequence change replaces serine, which is neutral and polar, with phenylalanine, which is neutral and non-polar, at codon 92 of the OFD1 protein (p.Ser92Phe).

NM_003611.3(OFD1):c.275C>T (p.Ser92Phe)

Gene: OFD1 (OFD1 centriole and centriolar satellite protein; plus strand). Cytogenetic location: Xp22.2.
Variant type: single nucleotide variant.
Coding change: c.275C>T on transcript NM_003611.3 (MANE Select); coding-DNA position 275, C replaced by T.
Protein change: p.Ser92Phe; replaces serine 92 with phenylalanine.
Molecular consequence: missense variant. On other transcripts: 5 prime UTR variant (1).
Genome position (GRCh38, 1-based): chrX:13,736,641, C>T. VCF-style: chrX-13736641-C-T. GRCh37 (hg19) VCF-style: chrX-13754760-C-T.
Other names: c.275C>T, p.Ser92Phe (NM_001330209.2); c.-271C>T (NM_001330210.2); short protein forms S92F.
Identifiers: ClinVar variation 2014392 (VCV002014392.4), dbSNP rs2146913635, ClinGen allele CA412333495.